The following is an entry in ClinVar:

ClinVar aggregate classification (germline): Pathogenic (1 of 4 stars; one submission).

Conditions:
Congenital myasthenic syndrome 4A. Also called: Myasthenic syndrome, congenital, 4a, slow-channel; CONGENITAL MYASTHENIC SYNDROME TYPE Ia1; MYASTHENIC SYNDROME, CONGENITAL, 4A, SLOW-CHANNEL, AUTOSOMAL RECESSIVE. Identifiers: Orphanet 590, MedGen C4225413, MONDO:0011600, OMIM 605809.

Submission:

Labcorp Genetics (formerly Invitae), Labcorp
Classification: Pathogenic for Congenital myasthenic syndrome 4A. Last evaluated: 2021-09-06. Review status: criteria provided, single submitter. Criteria: Invitae Variant Classification Sherloc (09022015). Collection method: clinical testing. Allele origin: germline.
Comment: This sequence change affects a donor splice site in intron 7 of the CHRNE gene. It is expected to disrupt RNA splicing. Variants that disrupt the donor or acceptor splice site typically lead to a loss of protein function (PMID: 16199547), and loss-of-function variants in CHRNE are known to be pathogenic (PMID: 22678886). This variant is not present in population databases (ExAC no frequency). Disruption of this splice site has been observed in individual(s) with congenital myasthenic syndrome (PMID: 9708546, 31773638). In at least one individual the data is consistent with the variant being in trans (on the opposite chromosome) from a pathogenic variant. It has also been observed to segregate with disease in related individuals. This variant is also known as IVS7 +2T>C. Algorithms developed to predict the effect of sequence changes on RNA splicing suggest that this variant may disrupt the consensus splice site. For these reasons, this variant has been classified as Pathogenic.

Literature cited by the submitters: PubMed 16199547; PubMed 22678886; PubMed 9708546; PubMed 31773638.

NM_000080.4(CHRNE):c.802+2T>C

Genes: C17orf107 (chromosome 17 open reading frame 107; plus strand), CHRNE (cholinergic receptor nicotinic epsilon subunit; minus strand). Cytogenetic location: 17p13.2.
Variant type: single nucleotide variant.
Coding change: c.802+2T>C on transcript NM_000080.4 (MANE Select); the canonical splice donor site of the intron after coding-DNA position 802, T replaced by C.
Molecular consequence: splice donor variant. On other transcripts: 3 prime UTR variant (1).
Genome position (GRCh38, 1-based): chr17:4,900,988, A>G on the plus strand (T>C on the coding strand, the complement: CHRNE is on the minus strand). VCF-style: chr17-4900988-A-G. GRCh37 (hg19) VCF-style: chr17-4804283-A-G.
Other names: c.*455A>G (NM_001145536.2).
Identifiers: ClinVar variation 1454204 (VCV001454204.6), dbSNP rs2151097188, ClinGen allele CA397304688.